The following is an entry in ClinVar:

ClinVar aggregate classification (germline): Uncertain significance (1 of 4 stars; one submission).

Conditions:
Familial Mediterranean fever (FMF). Also called: Periodic peritonitis; Benign paroxysmal peritonitis; POLYSEROSITIS, FAMILIAL PAROXYSMAL; POLYSEROSITIS, RECURRENT. Identifiers: Orphanet 342, MedGen C0031069, MONDO:0018088, OMIM 249100. Disease mechanism: gain of function.

Submission:

Labcorp Genetics (formerly Invitae), Labcorp
Classification: Uncertain significance for Familial Mediterranean fever. Last evaluated: 2021-08-08. Review status: criteria provided, single submitter. Criteria: Invitae Variant Classification Sherloc (09022015). Collection method: clinical testing. Allele origin: germline.
Comment: This sequence change replaces leucine with valine at codon 649 of the MEFV protein (p.Leu649Val). The leucine residue is weakly conserved and there is a small physicochemical difference between leucine and valine. This variant is not present in population databases (ExAC no frequency). This variant has not been reported in the literature in individuals affected with MEFV-related conditions. Algorithms developed to predict the effect of missense changes on protein structure and function output the following: SIFT: "Tolerated"; PolyPhen-2: "Benign"; Align-GVGD: "Class C0". The valine amino acid residue is found in multiple mammalian species, which suggests that this missense change does not adversely affect protein function. In summary, the available evidence is currently insufficient to determine the role of this variant in disease. Therefore, it has been classified as a Variant of Uncertain Significance.

NM_000243.3(MEFV):c.1945C>G (p.Leu649Val)

Genes: MEFV (MEFV innate immunity regulator, pyrin; minus strand), LOC126862264 (CDK7 strongly-dependent group 2 enhancer GRCh37_chr16:3293322-3294521; plus strand). Cytogenetic location: 16p13.3.
Variant type: single nucleotide variant.
Coding change: c.1945C>G on transcript NM_000243.3 (MANE Select); coding-DNA position 1945, C replaced by G.
Protein change: p.Leu649Val; replaces leucine 649 with valine.
Molecular consequence: missense variant. On other transcripts: 3 prime UTR variant (1).
Genome position (GRCh38, 1-based): chr16:3,243,542, G>C on the plus strand (C>G on the coding strand, the complement: MEFV is on the minus strand). VCF-style: chr16-3243542-G-C. GRCh37 (hg19) VCF-style: chr16-3293542-G-C.
Other names: c.*149C>G (NM_001198536.2); short protein forms L649V.
Identifiers: ClinVar variation 1428779 (VCV001428779.3), dbSNP rs2141665039, ClinGen allele CA394487511.